The following is an entry in ClinVar:

ClinVar aggregate classification (germline): Likely benign (1 of 4 stars; one submission).

Conditions:
ABCB4-related disorder. Also called: ABCB4-related disorders; ABCB4-related condition.

Submission:

PreventionGenetics, part of Exact Sciences
Classification: Likely benign for ABCB4-related condition. Last evaluated: 2026-06-30. Review status: criteria provided, single submitter. Criteria: ACMG Guidelines, 2015. Collection method: clinical testing. Allele origin: germline.
Comment: This variant is classified as likely benign based on ACMG/AMP sequence variant interpretation guidelines (Richards et al. 2015 PMID: 25741868, with internal and published modifications).

NM_000443.4(ABCB4):c.2049G>A (p.Val683=)

Gene: ABCB4 (ATP binding cassette subfamily B member 4; minus strand). Cytogenetic location: 7q21.12.
Variant type: single nucleotide variant.
Coding change: c.2049G>A on transcript NM_000443.4 (MANE Select); coding-DNA position 2049, G replaced by A.
Protein change: p.Val683=; no amino-acid change (valine 683 retained).
Molecular consequence: synonymous variant.
Genome position (GRCh38, 1-based): chr7:87,426,765, C>T on the plus strand (G>A on the coding strand, the complement: ABCB4 is on the minus strand). VCF-style: chr7-87426765-C-T. GRCh37 (hg19) VCF-style: chr7-87056081-C-T.
Other names: c.2049G>A, p.Val683= (NM_018849.3, NM_018850.3).
Identifiers: ClinVar variation 4991503 (VCV004991503.1).